The following is an entry in ClinVar:

ClinVar aggregate classification (germline): Likely benign (0 of 4 stars; one submission).

Conditions:
GRB10-related disorder. Also called: GRB10-related condition.

Allele frequency attached by ClinVar (database versions not stated): ExAC 0.00033; ESP Exome Variant Server 0.00075; gnomAD 0.00083; TOPMed 0.00112; 1000 Genomes Project 0.00140; 1000 Genomes Project 30x 0.00203.
gnomAD v4.1: 316 of 1,606,158 alleles (0.02%); highest among the groups gnomAD compares: African/African-American, 0.27%; 1 homozygote.

Submission:

PreventionGenetics, part of Exact Sciences
Classification: Likely benign for GRB10-related condition. Last evaluated: 2019-11-13. Review status: no assertion criteria provided. Collection method: clinical testing. Allele origin: germline.
Comment: This variant is classified as likely benign based on ACMG/AMP sequence variant interpretation guidelines (Richards et al. 2015 PMID: 25741868, with internal and published modifications).

NM_001350814.2(GRB10):c.1273-8C>T

Gene: GRB10 (growth factor receptor bound protein 10; minus strand). Cytogenetic location: 7p12.1.
Variant type: single nucleotide variant.
Coding change: c.1273-8C>T on transcript NM_001350814.2 (MANE Select); 8 bases into the intron before coding-DNA position 1273, C replaced by T.
Molecular consequence: intron variant.
Genome position (GRCh38, 1-based): chr7:50,605,414, G>A on the plus strand (C>T on the coding strand, the complement: GRB10 is on the minus strand). VCF-style: chr7-50605414-G-A. GRCh37 (hg19) VCF-style: chr7-50673111-G-A.
Other names: c.1099-8C>T (NM_001371008.1, NM_001001555.3, NM_001001550.3 and 1 more transcripts); c.1387-8C>T (NM_001350815.2); c.1420-8C>T (NM_001371009.1); c.1135-8C>T (NM_001001549.3).
Identifiers: ClinVar variation 3045053 (VCV003045053.2), dbSNP rs201569948, ClinGen allele CA4262670.